The following is an entry in ClinVar:

NM_020822.3(KCNT1):c.1742C>T (p.Thr581Ile)

Gene: KCNT1 (potassium sodium-activated channel subfamily T member 1; plus strand). Cytogenetic location: 9q34.3.
Variant type: single nucleotide variant.
Coding change: c.1742C>T on transcript NM_020822.3 (MANE Select); coding-DNA position 1742, C replaced by T.
Protein change: p.Thr581Ile; replaces threonine 581 with isoleucine.
Molecular consequence: missense variant.
Genome position (GRCh38, 1-based): chr9:135,770,420, C>T. VCF-style: chr9-135770420-C-T. GRCh37 (hg19) VCF-style: chr9-138662266-C-T.
Other names: c.1607C>T, p.Thr536Ile (NM_001272003.2); short protein forms T536I, T581I.
Identifiers: ClinVar variation 2101077 (VCV002101077.4), dbSNP rs1185192267, ClinGen allele CA375506784.
Genomic context (GRCh38, chr9:135,770,420, plus strand): 5'-TGTACCACATCCGCATGGGTGACAGCAAGTTCTTCCGCGAGTACGAGGGCAAGAGCTTCA[C>T]CTACGCGGCCTTCCACGCCCACAAGAAGTAAGGCCGGGCTGCATCCACAGGGCTGGCGCT-3'
Protein context (NP_065873.2, residues 571-591): FFREYEGKSF[Thr581Ile]YAAFHAHKKY

ClinVar aggregate classification (germline): Uncertain significance (1 of 4 stars; one submission).

Conditions:
Autosomal dominant nocturnal frontal lobe epilepsy 5. Also called: CILIARY DYSKINESIA, PRIMARY, 28, WITHOUT SITUS INVERSUS; CILIARY DYSKINESIA, PRIMARY, 28, WITH SITUS INVERSUS; Epilepsy, nocturnal frontal lobe, 5; KCNT1-Related Epilepsy. Identifiers: Orphanet 98784, MedGen C3554306, MONDO:0014002, OMIM 615005.
Developmental and epileptic encephalopathy, 14 (DEE14). Also called: Early infantile epileptic encephalopathy 14. Identifiers: Orphanet 293181, MedGen C3554195, MONDO:0013989, OMIM 614959.

Submission:

Labcorp Genetics (formerly Invitae), Labcorp
Classification: Uncertain significance for Autosomal dominant nocturnal frontal lobe epilepsy 5; Developmental and epileptic encephalopathy, 14. Last evaluated: 2024-01-08. Review status: criteria provided, single submitter. Criteria: Invitae Variant Classification Sherloc (09022015). Collection method: clinical testing. Allele origin: germline.
Comment: This sequence change replaces threonine, which is neutral and polar, with isoleucine, which is neutral and non-polar, at codon 581 of the KCNT1 protein (p.Thr581Ile). This variant is present in population databases (no rsID available, gnomAD 0.0009%). This variant has not been reported in the literature in individuals affected with KCNT1-related conditions. ClinVar contains an entry for this variant (Variation ID: 2101077). Advanced modeling of protein sequence and biophysical properties (such as structural, functional, and spatial information, amino acid conservation, physicochemical variation, residue mobility, and thermodynamic stability) performed at Invitae indicates that this missense variant is not expected to disrupt KCNT1 protein function with a negative predictive value of 80%. In summary, the available evidence is currently insufficient to determine the role of this variant in disease. Therefore, it has been classified as a Variant of Uncertain Significance.